The following is an entry in ClinVar:

ClinVar aggregate classification (germline): Likely pathogenic. Review status: criteria provided, multiple submitters, no conflicts (2 of 4 stars). 2 submissions from 2 submitters: Likely pathogenic (2). Last evaluated 2023-05-02.

Conditions:
Coffin-Siris syndrome. Identifiers: Orphanet 1465, MedGen C0265338, MONDO:0015452.
Coffin-Siris syndrome 1 (CSS1). Also called: Mental retardation, autosomal dominant 12; ARID1B-Related Coffin-Siris Syndrome. Identifiers: Orphanet 1465, MedGen C3281201, MONDO:0007617, OMIM 135900. Disease mechanism: gain of function.

Submissions (2):

Broad Center for Mendelian Genomics, Broad Institute of MIT and Harvard
Classification: Likely pathogenic for Coffin-Siris syndrome 1. Last evaluated: 2023-05-02. Review status: criteria provided, single submitter. Criteria: ACMG Guidelines, 2015. Collection method: curation. Allele origin: germline. Inheritance: Autosomal dominant inheritance.
Comment: The p.Tyr1396Ter variant in ARID1B has not been previously reported in individuals with Coffin-Siris syndrome 1. This variant has also been reported in ClinVar (Variation ID: 929947) and has been interpreted as likely pathogenic by the Laboratory for Molecular Medicine, Mass General Brigham Personalized Medicine. This variant was absent from large population studies. This nonsense variant leads to a premature termination codon at position 1396, which is predicted to lead to a truncated or absent protein. Heterozygous loss of function of the ARID1B gene is an established disease mechanism in autosomal dominant Coffin-Siris syndrome 1. In summary, this variant meets criteria to be classified as likely pathogenic for autosomal dominant Coffin-Siris syndrome 1. ACMG/AMP Criteria applied: PVS1, PM2_Supporting (Richards 2015).

Laboratory for Molecular Medicine, Mass General Brigham Personalized Medicine
Classification: Likely pathogenic for Coffin-Siris syndrome. Last evaluated: 2019-04-04. Review status: criteria provided, single submitter. Criteria: LMM Criteria. Collection method: clinical testing. Allele origin: germline. Inheritance: Autosomal dominant inheritance. Observed: 1 variant allele.
Comment: The p.Tyr1396X variant in the ARID1B gene has not been previously reported in individuals with Coffin-Siris syndrome and is absent from large population studies. However, this variant was present in an individual with intellectual disability, global developmental delays, mild hypotonia, microcephaly, seizures, short stature, hirsuitism, dysmorphic features, congenital absence of lacrimal ducts by the Broad Institute Rare Genomes Project. This variant leads to a premature termination codon at position 1396, which is predicted to lead to a truncated or absent protein. Heterozygous loss of function of the ARID1B gene is an established disease mechanism in individuals with Coffin-Siris syndrome. In summary, this variant meets criteria to be classified as likely pathogenic for Coffin-Siris syndrome in an autosomal dominant manner based upon its absence from the general population and its predicted impact on the protein. ACMG/AMP Criteria applied: PVS1, PM2.

NM_001374828.1(ARID1B):c.4557C>G (p.Tyr1519Ter)

Gene: ARID1B (AT-rich interaction domain 1B; plus strand). Cytogenetic location: 6q25.3.
Variant type: single nucleotide variant.
Coding change: c.4557C>G on transcript NM_001374828.1 (MANE Select); coding-DNA position 4557, C replaced by G.
Protein change: p.Tyr1519Ter; replaces tyrosine 1519 with a stop codon.
Molecular consequence: nonsense.
Genome position (GRCh38, 1-based): chr6:157,200,782, C>G. VCF-style: chr6-157200782-C-G. GRCh37 (hg19) VCF-style: chr6-157521916-C-G.
Other names: NM_001374828.1(ARID1B):c.4557C>G; p.Tyr1519Ter; c.2058C>G, p.Tyr686Ter (NM_001363725.2); c.4437C>G, p.Tyr1479Ter (NM_001371656.1, NM_001374820.1); c.4398C>G, p.Tyr1466Ter (NM_017519.3); short protein forms Y686*, Y1466*, Y1479*, Y1519*.
Identifiers: ClinVar variation 929947 (VCV000929947.6), dbSNP rs1794042593, ClinGen allele CA366240921.